The following is an entry in ClinVar:

NM_198271.5(LMOD3):c.391A>T (p.Lys131Ter)

Gene: LMOD3 (leiomodin 3; minus strand). Cytogenetic location: 3p14.1.
Variant type: single nucleotide variant.
Coding change: c.391A>T on transcript NM_198271.5 (MANE Select); coding-DNA position 391, A replaced by T.
Protein change: p.Lys131Ter; replaces lysine 131 with a stop codon.
Molecular consequence: nonsense.
Genome position (GRCh38, 1-based): chr3:69,119,964, T>A on the plus strand (A>T on the coding strand, the complement: LMOD3 is on the minus strand). VCF-style: chr3-69119964-T-A. GRCh37 (hg19) VCF-style: chr3-69169115-T-A.
Other names: c.391A>T, p.Lys131Ter (NM_001304418.3); short protein forms K131*.
Identifiers: ClinVar variation 4070599 (VCV004070599.1).

ClinVar aggregate classification (germline): Pathogenic (1 of 4 stars; one submission).

gnomAD v4.1: 1 of 1,586,010 alleles (0.000063%); highest among the groups gnomAD compares: Admixed American, 0.0018%; no homozygotes.

Submission:

GeneDx
Classification: Pathogenic. Last evaluated: 2025-01-19. Review status: criteria provided, single submitter. Criteria: GeneDx Variant Classification Process June 2021. Collection method: clinical testing. Allele origin: germline. Affected: yes.
Comment: Nonsense variant predicted to result in protein truncation or nonsense mediated decay in a gene for which loss of function is a known mechanism of disease; Not observed at significant frequency in large population cohorts (gnomAD); Has not been previously published as pathogenic or benign to our knowledge